The following is an entry in ClinVar:

ClinVar aggregate classification (germline): Conflicting classifications of pathogenicity. Review status: criteria provided, conflicting classifications (1 of 4 stars). 2 submissions from 2 submitters: Uncertain significance (1); Likely benign (1). Last evaluated 2026-04-28.

Conditions:
Hereditary cancer-predisposing syndrome. Also called: Hereditary Cancer Syndrome; Neoplastic Syndromes, Hereditary; Tumor predisposition; Hereditary neoplastic syndrome. Identifiers: Orphanet 140162, MedGen C0027672, MeSH D009386, MONDO:0015356.
Familial cancer of breast. Also called: BREAST CANCER, FAMILIAL; Hereditary breast cancer; hereditary breast carcinoma. Identifiers: Orphanet 227535, MedGen C0346153, MONDO:0016419, OMIM 114480. Disease mechanism: loss of function.
Fanconi anemia complementation group J. Also called: BRIP1-Related Fanconi Anemia. Identifiers: Orphanet 84, MedGen C1836860, MONDO:0012187, OMIM 609054.

Submissions (2):

Ambry Genetics
Classification: Likely benign for Hereditary cancer-predisposing syndrome. Last evaluated: 2026-04-28. Review status: criteria provided, single submitter. Criteria: Ambry Variant Classification Scheme 2023. Collection method: clinical testing. Allele origin: germline.

Labcorp Genetics (formerly Invitae), Labcorp
Classification: Uncertain significance for Familial cancer of breast; Fanconi anemia complementation group J. Last evaluated: 2019-09-05. Review status: criteria provided, single submitter. Criteria: Invitae Variant Classification Sherloc (09022015). Collection method: clinical testing. Allele origin: germline.
Comment: Algorithms developed to predict the effect of missense changes on protein structure and function (SIFT, PolyPhen-2, Align-GVGD) all suggest that this variant is likely to be tolerated, but these predictions have not been confirmed by published functional studies and their clinical significance is uncertain. In summary, the available evidence is currently insufficient to determine the role of this variant in disease. Therefore, it has been classified as a Variant of Uncertain Significance. This variant has not been reported in the literature in individuals with BRIP1-related conditions. This variant is not present in population databases (ExAC no frequency). This sequence change replaces alanine with glycine at codon 925 of the BRIP1 protein (p.Ala925Gly). The alanine residue is weakly conserved and there is a small physicochemical difference between alanine and glycine.

NM_032043.3(BRIP1):c.2774C>G (p.Ala925Gly)

Gene: BRIP1 (BRCA1 interacting DNA helicase 1; minus strand). Cytogenetic location: 17q23.2.
Variant type: single nucleotide variant.
Coding change: c.2774C>G on transcript NM_032043.3 (MANE Select); coding-DNA position 2774, C replaced by G.
Protein change: p.Ala925Gly; replaces alanine 925 with glycine.
Molecular consequence: missense variant.
Genome position (GRCh38, 1-based): chr17:61,685,967, G>C on the plus strand (C>G on the coding strand, the complement: BRIP1 is on the minus strand). VCF-style: chr17-61685967-G-C. GRCh37 (hg19) VCF-style: chr17-59763328-G-C.
Other names: short protein forms A925G.
Identifiers: ClinVar variation 960532 (VCV000960532.11), dbSNP rs2061355212, ClinGen allele CA400481559.